The following is an entry in ClinVar:

NM_001366385.1(CARD14):c.2996C>T (p.Thr999Met)

Genes: SGSH (N-sulfoglucosamine sulfohydrolase; minus strand), CARD14 (caspase recruitment domain family member 14; plus strand). Cytogenetic location: 17q25.3.
Variant type: single nucleotide variant.
Coding change: c.2996C>T on transcript NM_001366385.1 (MANE Select); coding-DNA position 2996, C replaced by T.
Protein change: p.Thr999Met; replaces threonine 999 with methionine.
Molecular consequence: missense variant. On other transcripts: non-coding transcript variant (1).
Genome position (GRCh38, 1-based): chr17:80,208,326, C>T. VCF-style: chr17-80208326-C-T. GRCh37 (hg19) VCF-style: chr17-78182125-C-T.
Other names: c.2996C>T, p.Thr999Met (NM_024110.4); short protein forms T999M.
Identifiers: ClinVar variation 641975 (VCV000641975.11), dbSNP rs534845615, ClinGen allele CA294888733.
Genomic context (GRCh38, chr17:80,208,326, plus strand): 5'-ACGGCCTGCTCAGCTGTGTCCGCCAGGCCATCGCCGACGAGCAGAAGAAGGTGGTGTGGA[C>T]GGAGCAGAGCCCCCGATGATGCACCGTGCCCCTTCCCGGGACTGTGGGGGCTTCTGTGTG-3'
Protein context (NP_001353314.1, residues 989-1004): IADEQKKVVW[Thr999Met]EQSPR

ClinVar aggregate classification (germline): Uncertain significance (1 of 4 stars; one submission).

Conditions:
Pityriasis rubra pilaris (PRP). Also called: Pityriasis rubra pilaris--familial type. Identifiers: Orphanet 2897, MedGen C0032027, MONDO:0100017, OMIM 173200, MONDO:0008251.
Psoriasis 2. Identifiers: MedGen C1864497, MONDO:0011269, OMIM 602723.

Allele frequency attached by ClinVar (database versions not stated): gnomAD 0.00001; gnomAD exomes 0.00001 and 0.00002; TOPMed 0.00001.

Submission:

Labcorp Genetics (formerly Invitae), Labcorp
Classification: Uncertain significance for Pityriasis rubra pilaris; Psoriasis 2. Last evaluated: 2026-01-19. Review status: criteria provided, single submitter. Criteria: Invitae Variant Classification Sherloc (09022015). Collection method: clinical testing. Allele origin: germline.
Comment: This sequence change replaces threonine, which is neutral and polar, with methionine, which is neutral and non-polar, at codon 999 of the CARD14 protein (p.Thr999Met). The frequency data for this variant in the population databases is considered unreliable, as metrics indicate poor data quality at this position in the gnomAD database. This variant has not been reported in the literature in individuals affected with CARD14-related conditions. ClinVar contains an entry for this variant (Variation ID: 641975). Invitae Evidence Modeling of protein sequence and biophysical properties (such as structural, functional, and spatial information, amino acid conservation, physicochemical variation, residue mobility, and thermodynamic stability) indicates that this missense variant is not expected to disrupt CARD14 protein function with a negative predictive value of 95%. In summary, the available evidence is currently insufficient to determine the role of this variant in disease. Therefore, it has been classified as a Variant of Uncertain Significance.